The following is an entry in ClinVar:

ClinVar aggregate classification (germline): Uncertain significance (1 of 4 stars; one submission).

Conditions:
RASopathy. Also called: Noonan spectrum disorder; rasopathies. Identifiers: Orphanet 536391, MedGen C5555857, MONDO:0021060.

Submission:

Labcorp Genetics (formerly Invitae), Labcorp
Classification: Uncertain significance for RASopathy. Last evaluated: 2020-06-22. Review status: criteria provided, single submitter. Criteria: Invitae Variant Classification Sherloc (09022015). Collection method: clinical testing. Allele origin: germline.
Comment: This variant results in a copy number gain of the genomic region encompassing the full coding sequence of the MAP2K1 gene. The boundaries of this event are unknown as they extend beyond the assayed region for this gene and therefore may encompass additional genes. As the precise location of this event is unknown, it may be in tandem or it may be located elsewhere in the genome. This variant has not been reported in the literature in individuals with MAP2K1-related conditions. In summary, the available evidence is currently insufficient to determine the role of this variant in disease. Therefore, it has been classified as a Variant of Uncertain Significance.

NC_000015.9:g.(?_66679676)_(66782963_?)dup

Genes: MAP2K1 (mitogen-activated protein kinase kinase 1; plus strand), SNAPC5 (small nuclear RNA activating complex polypeptide 5; minus strand). Cytogenetic location: 15q22.31.
Variant type: Duplication.
Identifiers: ClinVar variation 999571 (VCV000999571.4).